The following is an entry in ClinVar:

ClinVar aggregate classification (germline): Uncertain significance. Review status: criteria provided, multiple submitters, no conflicts (2 of 4 stars). 2 submissions from 2 submitters: Uncertain significance (2). Last evaluated 2025-04-07.

Conditions:
Hypertrophic cardiomyopathy 26. Also called: Cardiomyopathy, familial hypertrophic, 26. Identifiers: Orphanet 75249, MedGen C4310749, MONDO:0014883, OMIM 617047.
Myofibrillar myopathy 5. Also called: FILAMINOPATHY, AUTOSOMAL DOMINANT; Filaminopathy (type). Identifiers: Orphanet 171445, MedGen C1836050, MONDO:0012289, OMIM 609524.
Distal myopathy with posterior leg and anterior hand involvement. Also called: WILLIAMS DISTAL MYOPATHY. Identifiers: Orphanet 63273, MedGen C3279722, MONDO:0013550, OMIM 614065.

Allele frequency attached by ClinVar (database versions not stated): gnomAD exomes below 0.00001.
gnomAD v4.1: 3 of 1,607,830 alleles (0.00019%); highest among the groups gnomAD compares: East Asian, 0.0023%; no homozygotes.

Submissions (2):

GeneDx
Classification: Uncertain significance. Last evaluated: 2025-04-07. Review status: criteria provided, single submitter. Criteria: GeneDx Variant Classification Process June 2021. Collection method: clinical testing. Allele origin: germline. Affected: yes.
Comment: Not observed at significant frequency in large population cohorts (gnomAD); In silico analysis supports that this missense variant has a deleterious effect on protein structure/function; Has not been previously published as pathogenic or benign to our knowledge

Labcorp Genetics (formerly Invitae), Labcorp
Classification: Uncertain significance for Distal myopathy with posterior leg and anterior hand involvement; Myofibrillar myopathy 5; Hypertrophic cardiomyopathy 26. Last evaluated: 2024-05-29. Review status: criteria provided, single submitter. Criteria: Invitae Variant Classification Sherloc (09022015). Collection method: clinical testing. Allele origin: germline.
Comment: This sequence change replaces glycine, which is neutral and non-polar, with arginine, which is basic and polar, at codon 1511 of the FLNC protein (p.Gly1511Arg). This variant is not present in population databases (gnomAD no frequency). This variant has not been reported in the literature in individuals affected with FLNC-related conditions. ClinVar contains an entry for this variant (Variation ID: 1471615). Advanced modeling of protein sequence and biophysical properties (such as structural, functional, and spatial information, amino acid conservation, physicochemical variation, residue mobility, and thermodynamic stability) has been performed at Invitae for this missense variant, however the output from this modeling did not meet the statistical confidence thresholds required to predict the impact of this variant on FLNC protein function. In summary, the available evidence is currently insufficient to determine the role of this variant in disease. Therefore, it has been classified as a Variant of Uncertain Significance.

NM_001458.5(FLNC):c.4531G>A (p.Gly1511Arg)

Gene: FLNC (filamin C; plus strand). Cytogenetic location: 7q32.1.
Variant type: single nucleotide variant.
Coding change: c.4531G>A on transcript NM_001458.5 (MANE Select); coding-DNA position 4531, G replaced by A.
Protein change: p.Gly1511Arg; replaces glycine 1511 with arginine.
Molecular consequence: missense variant.
Genome position (GRCh38, 1-based): chr7:128,848,019, G>A. VCF-style: chr7-128848019-G-A. GRCh37 (hg19) VCF-style: chr7-128488073-G-A.
Other names: c.4531G>A (NM_001458.4); c.4531G>A, p.Gly1511Arg (NM_001127487.2); short protein forms G1511R.
Identifiers: ClinVar variation 1471615 (VCV001471615.9), dbSNP rs1445118718, ClinGen allele CA369201955.
Genomic context (GRCh38, chr7:128,848,019, plus strand): 5'-GTGGAGGTGCGGGACAATGGAGATGGCACCCACACTGTCCACTACACCCCAGCCACTGAC[G>A]GGCCCTACACGGTAGCCGTCAAGTATGCTGACCAGGAGGTGCCACGCAGGTGAGGACCAG-3'
Protein context (NP_001449.3, residues 1501-1521): HTVHYTPATD[Gly1511Arg]PYTVAVKYAD